The following is an entry in ClinVar:

NM_022436.3(ABCG5):c.1886C>G (p.Ser629Ter)

Genes: ABCG5 (ATP binding cassette subfamily G member 5; minus strand), DYNC2LI1 (dynein cytoplasmic 2 light intermediate chain 1; plus strand). Cytogenetic location: 2p21.
Variant type: single nucleotide variant.
Coding change: c.1886C>G on transcript NM_022436.3 (MANE Select); coding-DNA position 1886, C replaced by G.
Protein change: p.Ser629Ter; replaces serine 629 with a stop codon.
Molecular consequence: nonsense. On other transcripts: intron variant (2).
Genome position (GRCh38, 1-based): chr2:43,813,186, G>C on the plus strand (C>G on the coding strand, the complement: ABCG5 is on the minus strand). VCF-style: chr2-43813186-G-C. GRCh37 (hg19) VCF-style: chr2-44040325-G-C.
Other names: p.Ser629*; c.*15+2662G>C (NM_001348913.2, NM_001348912.2); short protein forms S629*.
Identifiers: ClinVar variation 2199424 (VCV002199424.5), dbSNP rs772295351, ClinGen allele CA1636129.

ClinVar aggregate classification (germline): Conflicting classifications of pathogenicity. Review status: criteria provided, conflicting classifications (1 of 4 stars). 3 submissions from 3 submitters: Pathogenic (1); Likely pathogenic (1); Uncertain significance (1). Last evaluated 2025-12-09.

Conditions:
Sitosterolemia 2. Identifiers: MedGen C5231453, MONDO:0020748, OMIM 618666.
Sitosterolemia (STSL). Also called: PHYTOSTEROLEMIA. Identifiers: Orphanet 2882, MedGen C0342907, MONDO:0008863.

Allele frequency attached by ClinVar (database versions not stated): TOPMed 0.00001; gnomAD 0.00001; ExAC 0.00001; gnomAD exomes 0.00009.
gnomAD v4.1: 122 of 1,571,012 alleles (0.0078%); highest among the groups gnomAD compares: Non-Finnish European, 0.01%; no homozygotes.

Submissions (3):

Labcorp Genetics (formerly Invitae), Labcorp
Classification: Pathogenic for Sitosterolemia. Last evaluated: 2025-12-09. Review status: criteria provided, single submitter. Criteria: Invitae Variant Classification Sherloc (09022015). Collection method: clinical testing. Allele origin: germline.
Comment: This sequence change creates a premature translational stop signal (p.Ser629*) in the ABCG5 gene. While this is not anticipated to result in nonsense mediated decay, it is expected to disrupt the last 23 amino acid(s) of the ABCG5 protein. This variant is present in population databases (rs772295351, gnomAD 0.005%). This variant has not been reported in the literature in individuals affected with ABCG5-related conditions. ClinVar contains an entry for this variant (Variation ID: 2199424). This variant disrupts a region of the ABCG5 protein in which other variant(s) (p.Ile639*) have been determined to be pathogenic (PMID: 30697800, 34969652). This suggests that this is a clinically significant region of the protein, and that variants that disrupt it are likely to be disease-causing. For these reasons, this variant has been classified as Pathogenic.

Mayo Clinic Laboratories, Mayo Clinic
Classification: Likely pathogenic. Last evaluated: 2024-04-26. Review status: criteria provided, single submitter. Criteria: ACMG Guidelines, 2015. Collection method: clinical testing. Allele origin: germline. Observed: 1 variant allele.
Comment: PM2, PVS1

Revvity Omics, Revvity
Classification: Uncertain significance for Sitosterolemia 2. Last evaluated: 2024-01-02. Review status: criteria provided, single submitter. Criteria: ACMG Guidelines, 2015. Collection method: clinical testing. Allele origin: germline.

Literature cited by the submitters: PubMed 30697800 (cited by Labcorp Genetics (formerly Invitae), Labcorp and Mayo Clinic Laboratories, Mayo Clinic); PubMed 34969652 (cited by Labcorp Genetics (formerly Invitae), Labcorp and Mayo Clinic Laboratories, Mayo Clinic); PubMed 37390873 (cited by Mayo Clinic Laboratories, Mayo Clinic).